The following is an entry in ClinVar:

ClinVar aggregate classification (germline): Conflicting classifications of pathogenicity. Review status: criteria provided, conflicting classifications (1 of 4 stars). 3 submissions from 3 submitters: Likely pathogenic (2); Uncertain significance (1). Last evaluated 2025-07-21.

Conditions:
TRPM1-related disorder. Also called: TRPM1-related condition.

Allele frequency attached by ClinVar (database versions not stated): gnomAD 0.00001; TOPMed 0.00002.
gnomAD v4.1: 43 of 1,601,652 alleles (0.0027%); highest among the groups gnomAD compares: Non-Finnish European, 0.0037%; no homozygotes.

Submissions (3):

Labcorp Genetics (formerly Invitae), Labcorp
Classification: Likely pathogenic. Last evaluated: 2025-07-21. Review status: criteria provided, single submitter. Criteria: Invitae Variant Classification Sherloc (09022015). Collection method: clinical testing. Allele origin: germline.
Comment: This sequence change affects an acceptor splice site in intron 26 of the TRPM1 gene. While this variant is not anticipated to result in nonsense mediated decay, it likely alters RNA splicing and results in a disrupted protein product. This variant is present in population databases (rs745341246, gnomAD 0.004%). This variant has not been reported in the literature in individuals affected with TRPM1-related conditions. ClinVar contains an entry for this variant (Variation ID: 1066584). Variants that disrupt the consensus splice site are a relatively common cause of aberrant splicing (PMID: 17576681, 9536098). Algorithms developed to predict the effect of sequence changes on RNA splicing suggest that this variant may disrupt the consensus splice site. This variant disrupts the C-terminus of the TRPM1 protein. Other variant(s) that disrupt this region (p.Asn1265Ilefs*42) have been observed in individuals with TRPM1-related conditions (PMID: 31144483). This suggests that this may be a clinically significant region of the protein. In summary, the currently available evidence indicates that the variant is pathogenic, but additional data are needed to prove that conclusively. Therefore, this variant has been classified as Likely Pathogenic.

PreventionGenetics, part of Exact Sciences
Classification: Uncertain significance for TRPM1-related condition. Last evaluated: 2024-12-13. Review status: criteria provided, single submitter. Criteria: ACMG Guidelines, 2015. Collection method: clinical testing. Allele origin: germline.
Comment: The TRPM1 c.3681-1G>A variant is predicted to disrupt the AG splice acceptor site and interfere with normal splicing. To our knowledge, this variant has not been reported in the literature. This variant is reported in 0.0036% of alleles in individuals of European (Non-Finnish) descent in gnomAD. This variant resides in the final exon of this gene, and it is unclear if the resulting mRNA would undergo nonsense-mediated decay. Variants that disrupt the consensus splice acceptor in TRPM1 are expected to be pathogenic. Although we suspect that this variant may be pathogenic, at this time, the clinical significance of this variant is uncertain due to the absence of conclusive functional and genetic evidence.

Blueprint Genetics
Classification: Likely pathogenic for TRPM1-related disorders. Last evaluated: 2022-01-07. Review status: criteria provided, single submitter. Criteria: ACMG Guidelines, 2015. Collection method: clinical testing. Allele origin: germline. Affected: yes. Observed: 3 variant alleles.

Literature cited by the submitters: PubMed 17576681 (cited by Labcorp Genetics (formerly Invitae), Labcorp); PubMed 9536098 (cited by Labcorp Genetics (formerly Invitae), Labcorp); PubMed 31144483 (cited by Labcorp Genetics (formerly Invitae), Labcorp).

NM_001252024.2(TRPM1):c.3630-1G>A

Gene: TRPM1 (transient receptor potential cation channel subfamily M member 1; minus strand). Cytogenetic location: 15q13.3.
Variant type: single nucleotide variant.
Coding change: c.3630-1G>A on transcript NM_001252024.2 (MANE Select); the canonical splice acceptor site of the intron before coding-DNA position 3630, G replaced by A.
Molecular consequence: splice acceptor variant.
Genome position (GRCh38, 1-based): chr15:31,003,071, C>T on the plus strand (G>A on the coding strand, the complement: TRPM1 is on the minus strand). VCF-style: chr15-31003071-C-T. GRCh37 (hg19) VCF-style: chr15-31295274-C-T.
Other names: c.3681-1G>A (NM_001252020.2, NM_001252020.1); c.3564-1G>A (NM_002420.6).
Identifiers: ClinVar variation 1066584 (VCV001066584.9), dbSNP rs745341246, ClinGen allele CA7451802.